The following is an entry in ClinVar:

NM_014363.6(SACS):c.12073A>G (p.Asn4025Asp)

Gene: SACS (sacsin molecular chaperone; minus strand). Cytogenetic location: 13q12.12.
Variant type: single nucleotide variant.
Coding change: c.12073A>G on transcript NM_014363.6 (MANE Select); coding-DNA position 12073, A replaced by G.
Protein change: p.Asn4025Asp; replaces asparagine 4025 with aspartic acid.
Molecular consequence: missense variant.
Genome position (GRCh38, 1-based): chr13:23,331,803, T>C on the plus strand (A>G on the coding strand, the complement: SACS is on the minus strand). VCF-style: chr13-23331803-T-C. GRCh37 (hg19) VCF-style: chr13-23905942-T-C.
Other names: c.11632A>G, p.Asn3878Asp (NM_001278055.2); short protein forms N3878D, N4025D.
Identifiers: ClinVar variation 864581 (VCV000864581.9), dbSNP rs1883495382, ClinGen allele CA387508553.

ClinVar aggregate classification (germline): Uncertain significance (1 of 4 stars; one submission).

Conditions:
Spastic paraplegia. Identifiers: MedGen C0037772, HP:0001258.

Submission:

Labcorp Genetics (formerly Invitae), Labcorp
Classification: Uncertain significance for Spastic paraplegia. Last evaluated: 2019-05-20. Review status: criteria provided, single submitter. Criteria: Invitae Variant Classification Sherloc (09022015). Collection method: clinical testing. Allele origin: germline.
Comment: This sequence change replaces asparagine with aspartic acid at codon 4025 of the SACS protein (p.Asn4025Asp). The asparagine residue is moderately conserved and there is a small physicochemical difference between asparagine and aspartic acid. This variant is not present in population databases (ExAC no frequency). This variant has not been reported in the literature in individuals with SACS-related conditions. Algorithms developed to predict the effect of missense changes on protein structure and function are either unavailable or do not agree on the potential impact of this missense change (SIFT: "Deleterious"; PolyPhen-2: "Probably Damaging"; Align-GVGD: "Class C0"). In summary, the available evidence is currently insufficient to determine the role of this variant in disease. Therefore, it has been classified as a Variant of Uncertain Significance.